The following is an entry in ClinVar:

NM_001371727.1(GABRB2):c.950_951delinsCA (p.Phe317Ser)

Gene: GABRB2 (gamma-aminobutyric acid type A receptor subunit beta2; minus strand). Cytogenetic location: 5q34.
Variant type: Indel.
Coding change: c.950_951delinsCA on transcript NM_001371727.1 (MANE Select); coding-DNA positions 950 to 951, TC replaced by CA.
Protein change: p.Phe317Ser; replaces phenylalanine 317 with serine.
Molecular consequence: missense variant.
Genome position (GRCh38, 1-based): chr5:161,331,009-161,331,010, GA replaced by TG on the plus strand (TC replaced by CA on the coding strand, the reverse complement: GABRB2 is on the minus strand). VCF-style: chr5-161331009-GA-TG. GRCh37 (hg19) VCF-style: chr5-160758016-GA-TG.
Other names: c.950_951delTCinsCA (NM_021911.2); c.950_951delinsCA, p.Phe317Ser (NM_000813.3, NM_021911.3); short protein forms F317S.
Identifiers: ClinVar variation 452588 (VCV000452588.1), dbSNP rs1554093882, ClinGen allele CA658657565.

ClinVar aggregate classification (germline): Likely pathogenic (1 of 4 stars; one submission).

Submission:

GeneDx
Classification: Likely pathogenic. Last evaluated: 2017-10-03. Review status: criteria provided, single submitter. Criteria: GeneDx Variant Classification (06012015). Collection method: clinical testing. Allele origin: germline. Affected: yes.
Comment: The c.950_951delTCinsCA variant in the GABRB2 gene has not been reported previously as apathogenic variant nor as a benign variant, to our knowledge. The c.950_951delTCinsCA variantcauses an in-frame substitution of Phenylalanine 317 for a Serine, denoted p.Phe317Ser. Thec.950_951delTCinsCA variant is a non-conservative amino acid substitution, which is likely to impact secondary protein structure as these residues differ in polarity, charge, size and/or other properties. This substitution occurs within the transmembrane helical domain at a position that is conserved across species. In silico analysis predicts the different variant (c.950T>C), resulting in the same codon change (F317S), is probably damaging to the protein structure/function. The c.950_951delTCinsCA variant is not observed in large population cohorts (Lek et al., 2016). We interpret c.950_951delTCinsCA as a likely pathogenic variant.